The following is an entry in ClinVar:

ClinVar aggregate classification (germline): Uncertain significance (1 of 4 stars; one submission).

Conditions:
Hereditary cancer-predisposing syndrome. Also called: Tumor predisposition; Neoplastic Syndromes, Hereditary; Hereditary Cancer Syndrome; Hereditary neoplastic syndrome. Identifiers: Orphanet 140162, MedGen C0027672, MeSH D009386, MONDO:0015356.

Submission:

Ambry Genetics
Classification: Uncertain significance for Hereditary cancer-predisposing syndrome. Last evaluated: 2025-02-06. Review status: criteria provided, single submitter. Criteria: Ambry Variant Classification Scheme 2023. Collection method: clinical testing. Allele origin: germline.
Comment: The p.A140S variant (also known as c.418G>T), located in coding exon 5 of the MRE11A gene, results from a G to T substitution at nucleotide position 418. The alanine at codon 140 is replaced by serine, an amino acid with similar properties. This amino acid position is conserved. In addition, the in silico prediction for this alteration is inconclusive. Based on the available evidence, the clinical significance of this variant remains unclear.

NM_005591.4(MRE11):c.418G>T (p.Ala140Ser)

Gene: MRE11 (MRE11 double strand break repair nuclease; minus strand). Cytogenetic location: 11q21.
Variant type: single nucleotide variant.
Coding change: c.418G>T on transcript NM_005591.4 (MANE Select); coding-DNA position 418, G replaced by T.
Protein change: p.Ala140Ser; replaces alanine 140 with serine.
Molecular consequence: missense variant.
Genome position (GRCh38, 1-based): chr11:94,478,861, C>A on the plus strand (G>T on the coding strand, the complement: MRE11 is on the minus strand). VCF-style: chr11-94478861-C-A. GRCh37 (hg19) VCF-style: chr11-94212027-C-A.
Other names: c.418G>T, p.Ala140Ser (NM_001330347.2, NM_005590.4); short protein forms A140S.
Identifiers: ClinVar variation 3874334 (VCV003874334.1).